The following is an entry in ClinVar:

ClinVar aggregate classification (germline): Uncertain significance. Review status: criteria provided, multiple submitters, no conflicts (2 of 4 stars). 4 submissions from 4 submitters: Uncertain significance (4). Last evaluated 2025-05-19.

Conditions:
Pseudohypoaldosteronism type 2C (PHA2C). Also called: Pseudohypoaldosteronism Type IIC. Identifiers: Orphanet 757, Orphanet 88940, MedGen C1840391, MONDO:0013778, OMIM 614492.
Neuropathy, hereditary sensory and autonomic, type 2A (HSAN2A). Also called: ACROOSTEOLYSIS, GIACCAI TYPE; ACROOSTEOLYSIS, NEUROGENIC; HSAN IIA; WNK1-Related HSAN2 (HSAN2A); MORVAN DISEASE; NEUROPATHY, CONGENITAL SENSORY. Identifiers: Orphanet 970, MedGen C2752089, MONDO:0024309, OMIM 201300.
Inborn genetic diseases. Identifiers: MedGen C0950123, MeSH D030342.

Allele frequency attached by ClinVar (database versions not stated): gnomAD exomes 0.00002; TOPMed 0.00003; ExAC 0.00001; gnomAD 0.00001.
gnomAD v4.1: 26 of 1,613,872 alleles (0.0016%); highest among the groups gnomAD compares: Middle Eastern, 0.017%; no homozygotes.

Submissions (4):

Mayo Clinic Laboratories, Mayo Clinic
Classification: Uncertain significance. Last evaluated: 2025-05-19. Review status: criteria provided, single submitter. Criteria: ACMG Guidelines, 2015. Collection method: clinical testing. Allele origin: germline. Observed: 1 variant allele.
Comment: BP4_moderate, PM2_supporting

Fulgent Genetics
Classification: Uncertain significance for Neuropathy, hereditary sensory and autonomic, type 2A; Pseudohypoaldosteronism type 2C. Last evaluated: 2024-04-07. Review status: criteria provided, single submitter. Criteria: ACMG Guidelines, 2015. Collection method: clinical testing. Allele origin: germline.

Labcorp Genetics (formerly Invitae), Labcorp
Classification: Uncertain significance for Neuropathy, hereditary sensory and autonomic, type 2A; Pseudohypoaldosteronism type 2C. Last evaluated: 2024-01-21. Review status: criteria provided, single submitter. Criteria: Invitae Variant Classification Sherloc (09022015). Collection method: clinical testing. Allele origin: germline.
Comment: This sequence change replaces alanine, which is neutral and non-polar, with threonine, which is neutral and polar, at codon 2483 of the WNK1 protein (p.Ala2483Thr). This variant is present in population databases (rs778252327, gnomAD 0.008%). This variant has not been reported in the literature in individuals affected with WNK1-related conditions. ClinVar contains an entry for this variant (Variation ID: 651130). Advanced modeling of protein sequence and biophysical properties (such as structural, functional, and spatial information, amino acid conservation, physicochemical variation, residue mobility, and thermodynamic stability) performed at Invitae indicates that this missense variant is not expected to disrupt WNK1 protein function with a negative predictive value of 95%. In summary, the available evidence is currently insufficient to determine the role of this variant in disease. Therefore, it has been classified as a Variant of Uncertain Significance.

Ambry Genetics
Classification: Uncertain significance for Inborn genetic diseases. Last evaluated: 2022-07-18. Review status: criteria provided, single submitter. Criteria: Ambry Variant Classification Scheme 2023. Collection method: clinical testing. Allele origin: germline.
Comment: The p.A2483T variant (also known as c.7447G>A), located in coding exon 27 of the WNK1 gene, results from a G to A substitution at nucleotide position 7447. The alanine at codon 2483 is replaced by threonine, an amino acid with similar properties. This amino acid position is not well conserved in available vertebrate species. In addition, this alteration is predicted to be tolerated by in silico analysis. Since supporting evidence is limited at this time, the clinical significance of this alteration remains unclear.

NM_018979.4(WNK1):c.6691G>A (p.Ala2231Thr)

Gene: WNK1 (WNK lysine deficient protein kinase 1; plus strand). Cytogenetic location: 12p13.33.
Variant type: single nucleotide variant.
Coding change: c.6691G>A on transcript NM_018979.4 (MANE Select); coding-DNA position 6691, G replaced by A.
Protein change: p.Ala2231Thr; replaces alanine 2231 with threonine.
Molecular consequence: missense variant.
Genome position (GRCh38, 1-based): chr12:907,894, G>A. VCF-style: chr12-907894-G-A. GRCh37 (hg19) VCF-style: chr12-1017060-G-A.
Other names: p.Ala2483Thr; c.7471G>A, p.Ala2491Thr (NM_001184985.2); c.5947G>A, p.Ala1983Thr (NM_014823.3); c.7447G>A, p.Ala2483Thr (NM_213655.5); short protein forms A2483T, A1983T, A2491T, A2231T.
Identifiers: ClinVar variation 651130 (VCV000651130.14), dbSNP rs778252327, ClinGen allele CA6383473.